The following is an entry in ClinVar:

ClinVar aggregate classification (germline): Likely benign (1 of 4 stars; one submission).

gnomAD v4.1: 3 of 1,614,158 alleles (0.00019%); highest among the groups gnomAD compares: East Asian, 0.0022%; no homozygotes.

Submission:

CeGaT Center for Human Genetics Tuebingen
Classification: Likely benign. Last evaluated: 2022-11-01. Review status: criteria provided, single submitter. Criteria: CeGaT Center For Human Genetics Tuebingen Variant Classification Criteria Version 2. Collection method: clinical testing. Allele origin: germline. Affected: yes. Observed: 1 variant allele.
Comment: ACIN1: PM2:Supporting, BP4, BP7

NM_001386863.1(ACIN1):c.825G>A (p.Val275=)

Gene: ACIN1 (apoptotic chromatin condensation inducer 1; minus strand). Cytogenetic location: 14q11.2.
Variant type: single nucleotide variant.
Coding change: c.825G>A on transcript NM_001386863.1 (MANE Select); coding-DNA position 825, G replaced by A.
Protein change: p.Val275=; no amino-acid change (valine 275 retained).
Molecular consequence: synonymous variant.
Genome position (GRCh38, 1-based): chr14:23,080,510, C>T on the plus strand (G>A on the coding strand, the complement: ACIN1 is on the minus strand). VCF-style: chr14-23080510-C-T. GRCh37 (hg19) VCF-style: chr14-23549719-C-T.
Other names: c.999G>A, p.Val333= (NM_001164814.2, NM_014977.4); c.879G>A, p.Val293= (NM_001164815.2).
Identifiers: ClinVar variation 2644086 (VCV002644086.24), dbSNP rs773746914, ClinGen allele CA485759283.